The following is an entry in ClinVar:

ClinVar aggregate classification (germline): Uncertain significance. Review status: criteria provided, multiple submitters, no conflicts (2 of 4 stars). 2 submissions from 2 submitters: Uncertain significance (2). Last evaluated 2025-02-28.

Conditions:
Baller-Gerold syndrome (BGS). Also called: CRANIOSYNOSTOSIS WITH RADIAL DEFECTS. Identifiers: Orphanet 1225, MedGen C0265308, MONDO:0009039, OMIM 218600.
Inborn genetic diseases. Identifiers: MedGen C0950123, MeSH D030342.

Allele frequency attached by ClinVar (database versions not stated): gnomAD exomes below 0.00001; TOPMed 0.00001.
gnomAD v4.1: 2 of 1,611,742 alleles (0.00012%); highest among the groups gnomAD compares: African/African-American, 0.0027%; no homozygotes.

Submissions (2):

Ambry Genetics
Classification: Uncertain significance for Inborn genetic diseases. Last evaluated: 2025-02-28. Review status: criteria provided, single submitter. Criteria: Ambry Variant Classification Scheme 2023. Collection method: clinical testing. Allele origin: germline.
Comment: The p.Q595E variant (also known as c.1783C>G), located in coding exon 11 of the RECQL4 gene, results from a C to G substitution at nucleotide position 1783. The glutamine at codon 595 is replaced by glutamic acid, an amino acid with highly similar properties. This amino acid position is conserved. In addition, this alteration is predicted to be tolerated by in silico analysis. Based on the available evidence, the clinical significance of this variant remains unclear.

Labcorp Genetics (formerly Invitae), Labcorp
Classification: Uncertain significance for Baller-Gerold syndrome. Last evaluated: 2020-02-17. Review status: criteria provided, single submitter. Criteria: Invitae Variant Classification Sherloc (09022015). Collection method: clinical testing. Allele origin: germline.
Comment: In summary, the available evidence is currently insufficient to determine the role of this variant in disease. Therefore, it has been classified as a Variant of Uncertain Significance. Algorithms developed to predict the effect of missense changes on protein structure and function are either unavailable or do not agree on the potential impact of this missense change (SIFT: "Deleterious"; PolyPhen-2: "Benign"; Align-GVGD: "Class C0". This variant has not been reported in the literature in individuals with RECQL4-related disease. This variant is not present in population databases (ExAC no frequency). This sequence change replaces glutamine with glutamic acid at codon 595 of the RECQL4 protein (p.Gln595Glu). The glutamine residue is highly conserved and there is a small physicochemical difference between glutamine and glutamic acid.

NM_004260.4(RECQL4):c.1783C>G (p.Gln595Glu)

Gene: RECQL4 (RecQ like helicase 4; minus strand). Cytogenetic location: 8q24.3.
Variant type: single nucleotide variant.
Coding change: c.1783C>G on transcript NM_004260.4 (MANE Select); coding-DNA position 1783, C replaced by G.
Protein change: p.Gln595Glu; replaces glutamine 595 with glutamic acid.
Molecular consequence: missense variant.
Genome position (GRCh38, 1-based): chr8:144,514,284, G>C on the plus strand (C>G on the coding strand, the complement: RECQL4 is on the minus strand). VCF-style: chr8-144514284-G-C. GRCh37 (hg19) VCF-style: chr8-145739668-G-C.
Other names: short protein forms Q595E.
Identifiers: ClinVar variation 643323 (VCV000643323.5), dbSNP rs1018200211, ClinGen allele CA187685067.